The following is an entry in ClinVar:

NM_000051.4(ATM):c.7348T>G (p.Leu2450Val)

Genes: ATM (ATM serine/threonine kinase; plus strand), C11orf65 (chromosome 11 open reading frame 65; minus strand). Cytogenetic location: 11q22.3.
Variant type: single nucleotide variant.
Coding change: c.7348T>G on transcript NM_000051.4 (MANE Select); coding-DNA position 7348, T replaced by G.
Protein change: p.Leu2450Val; replaces leucine 2450 with valine.
Molecular consequence: missense variant. On other transcripts: intron variant (2).
Genome position (GRCh38, 1-based): chr11:108,330,254, T>G. VCF-style: chr11-108330254-T-G. GRCh37 (hg19) VCF-style: chr11-108200981-T-G.
Other names: c.7348T>G, p.Leu2450Val (NM_001351834.2); c.641-21183A>C (NM_001330368.2); c.*38+4966A>C (NM_001351110.2); short protein forms L2450V.
Identifiers: ClinVar variation 970747 (VCV000970747.9), dbSNP rs766586514, ClinGen allele CA6266101.

ClinVar aggregate classification (germline): Uncertain significance (1 of 4 stars; one submission).

Conditions:
Ataxia-telangiectasia syndrome (AT). Also called: Ataxia-telangiectasia, complementation group D; AT, COMPLEMENTATION GROUP C; ATAXIA-TELANGIECTASIA, COMPLEMENTATION GROUP A; ATAXIA-TELANGIECTASIA, FRESNO VARIANT; Ataxia-telangiectasia; Ataxia telangiectasia (A-T). Identifiers: Orphanet 100, MedGen C0004135, MONDO:0008840, OMIM 208900.

Allele frequency attached by ClinVar (database versions not stated): gnomAD exomes below 0.00001; ExAC 0.00001.
gnomAD v4.1: 2 of 1,614,222 alleles (0.00012%); highest among the groups gnomAD compares: South Asian, 0.0022%; no homozygotes.

Submission:

Labcorp Genetics (formerly Invitae), Labcorp
Classification: Uncertain significance for Ataxia-telangiectasia syndrome. Last evaluated: 2022-01-26. Review status: criteria provided, single submitter. Criteria: Invitae Variant Classification Sherloc (09022015). Collection method: clinical testing. Allele origin: germline.
Comment: This sequence change replaces leucine, which is neutral and non-polar, with valine, which is neutral and non-polar, at codon 2450 of the ATM protein (p.Leu2450Val). This variant is not present in population databases (gnomAD no frequency). This variant has not been reported in the literature in individuals affected with ATM-related conditions. ClinVar contains an entry for this variant (Variation ID: 970747). Advanced modeling of protein sequence and biophysical properties (such as structural, functional, and spatial information, amino acid conservation, physicochemical variation, residue mobility, and thermodynamic stability) performed at Invitae indicates that this missense variant is not expected to disrupt ATM protein function. In summary, the available evidence is currently insufficient to determine the role of this variant in disease. Therefore, it has been classified as a Variant of Uncertain Significance.